The following is an entry in ClinVar:

ClinVar aggregate classification (germline): Pathogenic. Review status: criteria provided, multiple submitters, no conflicts (2 of 4 stars). 5 submissions from 5 submitters: Pathogenic (4). 1 of the submissions does not count toward it. Last evaluated 2026-06-23.

Conditions:
Microcephaly, normal intelligence and immunodeficiency (NBS). Also called: SEEMANOVA SYNDROME II; Ataxia telangiectasia variant V1; IMMUNODEFICIENCY, MICROCEPHALY, AND CHROMOSOMAL INSTABILITY; Immunodeficiency, microcephaly with normal intelligence; Nijmegen breakage syndrome; Microcephaly with normal intelligence immunodeficiency and lymphoreticular malignancies. Identifiers: Orphanet 647, MedGen C0398791, MONDO:0009623, OMIM 251260.
Aplastic anemia. Identifiers: Orphanet 182040, Orphanet 88, MedGen C0002874, MONDO:0015909, OMIM 609135, HP:0001915.
Acute lymphoid leukemia (ALL). Also called: Acute lymphoblastic leukemia; Acute lymphocytic leukemia; Leukemia, acute lymphoblastic, somatic; Lymphoblastic leukemia. Identifiers: Orphanet 513, MedGen C0023449, MONDO:0004967, OMIM 613065, HP:0006721.

Submissions (5):

Women's Health and Genetics/Laboratory Corporation of America, LabCorp
Classification: Pathogenic for Microcephaly, normal intelligence and immunodeficiency. Last evaluated: 2026-06-23. Review status: criteria provided, single submitter. Criteria: LabCorp Variant Classification Summary - May 2015. Collection method: clinical testing. Allele origin: germline.
Comment: Variant summary: NBN c.317dupT (p.Arg107GlnfsX5) results in a premature termination codon, predicted to cause a truncation of the encoded protein or absence of the protein due to nonsense mediated decay, which are commonly known mechanisms for disease. The variant allele was found at a frequency of 4e-06 in 251156 control chromosomes. To our knowledge, no occurrence of c.317dupT in individuals affected with NBN-related conditions and no experimental evidence demonstrating its impact on protein function have been reported. ClinVar contains an entry for this variant (Variation ID: 370898). Based on the evidence outlined above, the variant was classified as pathogenic.

Labcorp Genetics (formerly Invitae), Labcorp
Classification: Pathogenic for Microcephaly, normal intelligence and immunodeficiency. Last evaluated: 2022-12-10. Review status: criteria provided, single submitter. Criteria: Invitae Variant Classification Sherloc (09022015). Collection method: clinical testing. Allele origin: germline.
Comment: For these reasons, this variant has been classified as Pathogenic. ClinVar contains an entry for this variant (Variation ID: 370898). This variant has not been reported in the literature in individuals affected with NBN-related conditions. This variant is present in population databases (rs745355767, gnomAD 0.003%). This sequence change creates a premature translational stop signal (p.Arg107Glnfs*5) in the NBN gene. It is expected to result in an absent or disrupted protein product. Loss-of-function variants in NBN are known to be pathogenic (PMID: 9590180, 16415040).

Fulgent Genetics
Classification: Pathogenic for Microcephaly, normal intelligence and immunodeficiency; Aplastic anemia; Acute lymphoid leukemia. Last evaluated: 2022-01-06. Review status: criteria provided, single submitter. Criteria: ACMG Guidelines, 2015. Collection method: clinical testing. Allele origin: unknown.

Genome-Nilou Lab
Classification: Pathogenic for Microcephaly, normal intelligence and immunodeficiency. Last evaluated: 2021-11-07. Review status: criteria provided, single submitter. Criteria: ACMG Guidelines, 2015. Collection method: clinical testing. Allele origin: germline. Affected: no.

Counsyl
Classification: Likely pathogenic for Microcephaly, normal intelligence and immunodeficiency. Last evaluated: 2016-05-09. Review status: no assertion criteria provided. Collection method: clinical testing. Allele origin: unknown. Not counted in ClinVar's aggregate classification.

Literature cited by the submitters: PubMed 9590180 (cited by Labcorp Genetics (formerly Invitae), Labcorp); PubMed 16415040 (cited by Labcorp Genetics (formerly Invitae), Labcorp).

NM_002485.5(NBN):c.317dup (p.Arg107fs)

Gene: NBN (nibrin; minus strand). Cytogenetic location: 8q21.3.
Variant type: Duplication.
Coding change: c.317dup on transcript NM_002485.5 (MANE Select); coding-DNA position 317, one base duplicated (T; older notation c.317dupT).
Protein change: p.Arg107fs; shifts the reading frame from arginine 107.
Molecular consequence: frameshift variant.
Genome position (GRCh38, 1-based): chr8:89,981,378, A duplicated on the plus strand (T on the coding strand, the reverse complement: NBN is on the minus strand); the first of 2 consecutive A bases (chr8:89,981,378-89,981,379); duplicating either gives the same sequence. VCF-style (leftmost placement, unchanged base first): chr8-89981377-G-GA. GRCh37 (hg19) VCF-style: chr8-90993605-G-GA.
Other names: c.317dupT (NM_002485.5, NM_002485.4); c.71dup, p.Arg25fs (NM_001024688.3); short protein forms R107fs, R25fs.
Identifiers: ClinVar variation 370898 (VCV000370898.16), dbSNP rs745355767, ClinGen allele CA4803012.